The following is an entry in ClinVar:

NM_000377.3(WAS):c.344A>G (p.His115Arg)

Gene: WAS (WASP actin nucleation promoting factor; plus strand). Cytogenetic location: Xp11.23.
Variant type: single nucleotide variant.
Coding change: c.344A>G on transcript NM_000377.3 (MANE Select); coding-DNA position 344, A replaced by G.
Protein change: p.His115Arg; replaces histidine 115 with arginine.
Molecular consequence: missense variant.
Genome position (GRCh38, 1-based): chrX:48,685,617, A>G. VCF-style: chrX-48685617-A-G. GRCh37 (hg19) VCF-style: chrX-48544006-A-G.
Other names: short protein forms H115R.
Identifiers: ClinVar variation 578369 (VCV000578369.8), dbSNP rs1569493774, ClinGen allele CA412867192.
Genomic context (GRCh38, chrX:48,685,617, plus strand): 5'-TGCTCTGGGAACAGGAGCTGTACTCACAGCTTGTCTACTCCACCCCCACCCCCTTCTTCC[A>G]CACCTTCGCTGGAGATGTAAGTGATCAACCAGCCCTCGGGCCTCACTTGGGGTGTGGAGA-3'
Protein context (NP_000368.1, residues 105-125): LVYSTPTPFF[His115Arg]TFAGDDCQAG

ClinVar aggregate classification (germline): Uncertain significance (1 of 4 stars; one submission).

Conditions:
X-linked severe congenital neutropenia (SCNX). Identifiers: Orphanet 86788, MedGen C1845987, MONDO:0010294, OMIM 300299.
Thrombocytopenia 1. Also called: X-linked thrombocytopenia with normal platelets; X-Linked Thrombocytopenia (XLT); THROMBOCYTOPENIA, X-LINKED, 1. Identifiers: Orphanet 268322, Orphanet 852, MedGen C1839163, MONDO:0010743, OMIM 313900.
Wiskott-Aldrich syndrome (WAS). Also called: WISKOTT-ALDRICH SYNDROME 1; ALDRICH SYNDROME; IMMUNODEFICIENCY 2; Wiskott-aldrich syndrome, somatic. Identifiers: Orphanet 906, MedGen C0043194, MONDO:0010518, OMIM 301000.

Submission:

Labcorp Genetics (formerly Invitae), Labcorp
Classification: Uncertain significance for Wiskott-Aldrich syndrome; X-linked severe congenital neutropenia; Thrombocytopenia 1. Last evaluated: 2018-07-24. Review status: criteria provided, single submitter. Criteria: Invitae Variant Classification Sherloc (09022015). Collection method: clinical testing. Allele origin: germline.
Comment: In summary, the available evidence is currently insufficient to determine the role of this variant in disease. Therefore, it has been classified as a Variant of Uncertain Significance. The observation of one or more missense substitutions at this codon (p.His115Arg and p.His115Tyr) in affected individuals suggests that this may be a clinically significant residue (PMID: 10575547, Invitae) Algorithms developed to predict the effect of missense changes on protein structure and function are either unavailable or do not agree on the potential impact of this missense change (SIFT: "Tolerated"; PolyPhen-2: "Probably Damaging"; Align-GVGD: "Class C0"). This variant has been observed to segregate with a WAS-related disease in a family (Invitae). This variant is not present in population databases (ExAC no frequency). This sequence change replaces histidine with arginine at codon 115 of the WAS protein (p.His115Arg). The histidine residue is highly conserved and there is a small physicochemical difference between histidine and arginine.

Literature cited by the submitters: PubMed 10575547.